The following is an entry in ClinVar:

ClinVar aggregate classification (germline): Uncertain significance. Review status: criteria provided, multiple submitters, no conflicts (2 of 4 stars). 2 submissions from 2 submitters: Uncertain significance (2). Last evaluated 2024-12-16.

Conditions:
Eculizumab, poor response to. Identifiers: MedGen C3810402, OMIM 615749.
Complement component 5 deficiency. Also called: C5 DEFICIENCY. Identifiers: MedGen C0343047, MONDO:0012295, OMIM 609536.

Allele frequency attached by ClinVar (database versions not stated): ExAC 0.00008; gnomAD exomes 0.00008; ESP Exome Variant Server 0.00015; TOPMed 0.00018; gnomAD 0.00021; 1000 Genomes Project 0.00040; 1000 Genomes Project 30x 0.00047.
gnomAD v4.1: 136 of 1,605,424 alleles (0.0085%); highest among the groups gnomAD compares: Middle Eastern, 0.17%; 1 homozygote.

Submissions (2):

Labcorp Genetics (formerly Invitae), Labcorp
Classification: Uncertain significance. Last evaluated: 2024-12-16. Review status: criteria provided, single submitter. Criteria: Invitae Variant Classification Sherloc (09022015). Collection method: clinical testing. Allele origin: germline.
Comment: This sequence change replaces alanine, which is neutral and non-polar, with serine, which is neutral and polar, at codon 1441 of the C5 protein (p.Ala1441Ser). This variant is present in population databases (rs143886761, gnomAD 0.05%). This variant has not been reported in the literature in individuals affected with C5-related conditions. ClinVar contains an entry for this variant (Variation ID: 1391043). An algorithm developed to predict the effect of missense changes on protein structure and function (PolyPhen-2) suggests that this variant¬†is likely to be tolerated. In summary, the available evidence is currently insufficient to determine the role of this variant in disease. Therefore, it has been classified as a Variant of Uncertain Significance.

Fulgent Genetics
Classification: Uncertain significance for Complement component 5 deficiency; Eculizumab, poor response to. Last evaluated: 2022-04-18. Review status: criteria provided, single submitter. Criteria: ACMG Guidelines, 2015. Collection method: clinical testing. Allele origin: unknown.

NM_001735.3(C5):c.4321G>T (p.Ala1441Ser)

Gene: C5 (complement C5; minus strand). Cytogenetic location: 9q33.2.
Variant type: single nucleotide variant.
Coding change: c.4321G>T on transcript NM_001735.3 (MANE Select); coding-DNA position 4321, G replaced by T.
Protein change: p.Ala1441Ser; replaces alanine 1441 with serine.
Molecular consequence: missense variant.
Genome position (GRCh38, 1-based): chr9:120,963,638, C>A on the plus strand (G>T on the coding strand, the complement: C5 is on the minus strand). VCF-style: chr9-120963638-C-A. GRCh37 (hg19) VCF-style: chr9-123725916-C-A.
Other names: c.4339G>T, p.Ala1447Ser (NM_001317163.2); short protein forms A1441S, A1447S.
Identifiers: ClinVar variation 1391043 (VCV001391043.5), dbSNP rs143886761, ClinGen allele CA5217218.